The following is an entry in ClinVar:

ClinVar aggregate classification (germline): Uncertain significance (1 of 4 stars; one submission).

Allele frequency attached by ClinVar (database versions not stated): ExAC 0.00001; gnomAD exomes below 0.00001.
gnomAD v4.1: 2 of 1,613,248 alleles (0.00012%); highest among the groups gnomAD compares: East Asian, 0.0022%; no homozygotes.

Submission:

Laboratory for Molecular Medicine, Mass General Brigham Personalized Medicine
Classification: Uncertain significance. Last evaluated: 2015-03-11. Review status: criteria provided, single submitter. Criteria: LMM Criteria. Collection method: clinical testing. Allele origin: germline. Observed: 1 variant allele.
Comment: The p.Ala17971Thr variant in TTN has not been previously reported in individuals with cardiomyopathy, but has been identified in 1/16368 South Asian chromosomes by the Exome Aggregation Consortium (ExAC). Co mputational prediction tools and conservation analysis suggest that this variant may impact the protein, though this information is not predictive enough to det ermine pathogenicity. In summary, the clinical significance of the p.Ala17971Th r variant is uncertain.

NM_001267550.2(TTN):c.61615G>A (p.Ala20539Thr)

Genes: TTN (titin; minus strand), TTN-AS1 (TTN antisense RNA 1; plus strand). Cytogenetic location: 2q31.2.
Variant type: single nucleotide variant.
Coding change: c.61615G>A on transcript NM_001267550.2 (MANE Select); coding-DNA position 61615, G replaced by A.
Protein change: p.Ala20539Thr; replaces alanine 20539 with threonine.
Molecular consequence: missense variant.
Genome position (GRCh38, 1-based): chr2:178,590,110, C>T on the plus strand (G>A on the coding strand, the complement: TTN is on the minus strand). VCF-style: chr2-178590110-C-T. GRCh37 (hg19) VCF-style: chr2-179454837-C-T.
Other names: c.56692G>A, p.Ala18898Thr (NM_001256850.1); c.34420G>A, p.Ala11474Thr (NM_003319.4); c.34795G>A, p.Ala11599Thr (NM_133432.3); c.34996G>A, p.Ala11666Thr (NM_133437.4); c.53911G>A, p.Ala17971Thr (NM_133378.4); short protein forms A17971T, A20539T, A11474T, A18898T, A11599T, A11666T.
Identifiers: ClinVar variation 229482 (VCV000229482.5), dbSNP rs754756569, ClinGen allele CA1992342.
Genomic context (GRCh38, chr2:178,590,110, plus strand): 5'-GGGCATGTCCACTGCTGTTCTTAGCTGAGATGATATACTTGCCATGATCAGCTCTAACAG[C>T]TTCTTTAATTTGTAACTCAACACGAGGTAGATCCTGAATAAGGTCCACCCTCTTTTCTCG-3'
Protein context (NP_001254479.2, residues 20529-20549): LPRVELQIKE[Ala20539Thr]VRADHGKYII